The following is an entry in ClinVar:

ClinVar aggregate classification (germline): Likely benign (1 of 4 stars; one submission).

Allele frequency attached by ClinVar (database versions not stated): gnomAD 0.00005; TOPMed 0.00006.
gnomAD v4.1: 54 of 1,527,090 alleles (0.0035%); highest among the groups gnomAD compares: Middle Eastern, 0.039%; no homozygotes.

Submission:

CeGaT Center for Human Genetics Tuebingen
Classification: Likely benign. Last evaluated: 2022-07-01. Review status: criteria provided, single submitter. Criteria: CeGaT Center For Human Genetics Tuebingen Variant Classification Criteria Version 2. Collection method: clinical testing. Allele origin: germline. Affected: yes. Observed: 2 variant alleles.
Comment: CIC: BP4, BP7

NM_001386298.1(CIC):c.7446G>A (p.Pro2482=)

Gene: CIC (capicua transcriptional repressor; plus strand). Cytogenetic location: 19q13.2.
Variant type: single nucleotide variant.
Coding change: c.7446G>A on transcript NM_001386298.1 (MANE Select); coding-DNA position 7446, G replaced by A.
Protein change: p.Pro2482=; no amino-acid change (proline 2482 retained).
Molecular consequence: synonymous variant.
Genome position (GRCh38, 1-based): chr19:42,295,083, G>A. VCF-style: chr19-42295083-G-A. GRCh37 (hg19) VCF-style: chr19-42799235-G-A.
Other names: c.7446G>A, p.Pro2482= (NM_001304815.2); c.7443G>A, p.Pro2481= (NM_001379480.1, NM_001379482.1, NM_001379483.1); c.4713G>A, p.Pro1571= (NM_001379484.1); c.4710G>A, p.Pro1570= (NM_001379485.1); c.4719G>A, p.Pro1573= (NM_015125.5).
Identifiers: ClinVar variation 2650022 (VCV002650022.24), dbSNP rs564672494, ClinGen allele CA9473013.